The following is an entry in ClinVar:

NM_018139.3(DNAAF2):c.2027C>G (p.Ser676Cys)

Gene: DNAAF2 (dynein axonemal assembly factor 2; minus strand). Cytogenetic location: 14q21.3.
Variant type: single nucleotide variant.
Coding change: c.2027C>G on transcript NM_018139.3 (MANE Select); coding-DNA position 2027, C replaced by G.
Protein change: p.Ser676Cys; replaces serine 676 with cysteine.
Molecular consequence: missense variant. On other transcripts: 5 prime UTR variant (1).
Genome position (GRCh38, 1-based): chr14:49,626,029, G>C on the plus strand (C>G on the coding strand, the complement: DNAAF2 is on the minus strand). VCF-style: chr14-49626029-G-C. GRCh37 (hg19) VCF-style: chr14-50092747-G-C.
Other names: c.1883C>G, p.Ser628Cys (NM_001083908.2); c.-185C>G (NM_001378453.1); short protein forms S628C, S676C.
Identifiers: ClinVar variation 3671567 (VCV003671567.2).

ClinVar aggregate classification (germline): Uncertain significance (1 of 4 stars; one submission).

Conditions:
Primary ciliary dyskinesia. Also called: Ciliary dyskinesia. Identifiers: Orphanet 244, MedGen C0008780, MONDO:0016575, HP:0012265.

gnomAD v4.1: 68 of 1,501,644 alleles (0.0045%); highest among the groups gnomAD compares: South Asian, 0.094%; no homozygotes.

Submission:

Labcorp Genetics (formerly Invitae), Labcorp
Classification: Uncertain significance for Primary ciliary dyskinesia. Last evaluated: 2024-10-12. Review status: criteria provided, single submitter. Criteria: Invitae Variant Classification Sherloc (09022015). Collection method: clinical testing. Allele origin: germline.
Comment: This sequence change replaces serine, which is neutral and polar, with cysteine, which is neutral and slightly polar, at codon 676 of the DNAAF2 protein (p.Ser676Cys). This variant is present in population databases (rs560565818, gnomAD 0.1%). This variant has not been reported in the literature in individuals affected with DNAAF2-related conditions. Invitae Evidence Modeling of protein sequence and biophysical properties (such as structural, functional, and spatial information, amino acid conservation, physicochemical variation, residue mobility, and thermodynamic stability) indicates that this missense variant is not expected to disrupt DNAAF2 protein function with a negative predictive value of 80%. In summary, the available evidence is currently insufficient to determine the role of this variant in disease. Therefore, it has been classified as a Variant of Uncertain Significance.